The following is an entry in ClinVar:

NM_001242896.3(DEPDC5):c.3056G>C (p.Gly1019Ala)

Gene: DEPDC5 (DEP domain containing 5, GATOR1 subcomplex subunit; plus strand). Cytogenetic location: 22q12.3.
Variant type: single nucleotide variant.
Coding change: c.3056G>C on transcript NM_001242896.3 (MANE Select); coding-DNA position 3056, G replaced by C.
Protein change: p.Gly1019Ala; replaces glycine 1019 with alanine.
Molecular consequence: missense variant. On other transcripts: non-coding transcript variant (5).
Genome position (GRCh38, 1-based): chr22:31,846,868, G>C. VCF-style: chr22-31846868-G-C. GRCh37 (hg19) VCF-style: chr22-32242854-G-C.
Other names: c.3029G>C, p.Gly1010Ala (NM_001136029.4, NM_001369903.1, NM_014662.6); c.2822G>C, p.Gly941Ala (NM_001242897.2, NM_001363854.2, NM_001364319.2); c.3056G>C, p.Gly1019Ala (NM_001363852.2, NM_001364318.2, NM_001364320.2); c.2972G>C, p.Gly991Ala (NM_001369901.1, NM_001369902.1); short protein forms G1010A, G941A, G991A, G1019A.
Identifiers: ClinVar variation 1895841 (VCV001895841.5), dbSNP rs890088250, ClinGen allele CA323345432.

ClinVar aggregate classification (germline): Uncertain significance (1 of 4 stars; one submission).

Conditions:
Familial focal epilepsy with variable foci (FPEVF). Identifiers: Orphanet 98820, MedGen C1858477, MONDO:0020310.

Allele frequency attached by ClinVar (database versions not stated): gnomAD exomes below 0.00001; TOPMed 0.00002.
gnomAD v4.1: 7 of 1,614,172 alleles (0.00043%); highest among the groups gnomAD compares: South Asian, 0.0077%; no homozygotes.

Submission:

Labcorp Genetics (formerly Invitae), Labcorp
Classification: Uncertain significance for Familial focal epilepsy with variable foci. Last evaluated: 2022-10-23. Review status: criteria provided, single submitter. Criteria: Invitae Variant Classification Sherloc (09022015). Collection method: clinical testing. Allele origin: germline.
Comment: This sequence change replaces glycine, which is neutral and non-polar, with alanine, which is neutral and non-polar, at codon 1019 of the DEPDC5 protein (p.Gly1019Ala). This variant is present in population databases (no rsID available, gnomAD 0.006%). In summary, the available evidence is currently insufficient to determine the role of this variant in disease. Therefore, it has been classified as a Variant of Uncertain Significance. Algorithms developed to predict the effect of missense changes on protein structure and function are either unavailable or do not agree on the potential impact of this missense change (SIFT: "Deleterious"; PolyPhen-2: "Not Available"; Align-GVGD: "Class C0"). This variant has not been reported in the literature in individuals affected with DEPDC5-related conditions.